The following is an entry in ClinVar:

NM_004588.5(SCN2B):c.110C>T (p.Thr37Ile)

Gene: SCN2B (sodium voltage-gated channel beta subunit 2; minus strand). Cytogenetic location: 11q23.3.
Variant type: single nucleotide variant.
Coding change: c.110C>T on transcript NM_004588.5 (MANE Select); coding-DNA position 110, C replaced by T.
Protein change: p.Thr37Ile; replaces threonine 37 with isoleucine.
Molecular consequence: missense variant.
Genome position (GRCh38, 1-based): chr11:118,168,712, G>A on the plus strand (C>T on the coding strand, the complement: SCN2B is on the minus strand). VCF-style: chr11-118168712-G-A. GRCh37 (hg19) VCF-style: chr11-118039427-G-A.
Other names: short protein forms T37I.
Identifiers: ClinVar variation 1794703 (VCV001794703.9), dbSNP rs1451432673, ClinGen allele CA382769764.

ClinVar aggregate classification (germline): Uncertain significance. Review status: criteria provided, multiple submitters, no conflicts (2 of 4 stars). 2 submissions from 2 submitters: Uncertain significance (2). Last evaluated 2025-10-21.

Conditions:
Atrial fibrillation, familial, 14 (ATFB14). Identifiers: MedGen C3809312, MONDO:0014156, OMIM 615378.
Cardiovascular phenotype. Identifiers: MedGen CN230736.

Allele frequency attached by ClinVar (database versions not stated): gnomAD exomes 0.00001; TOPMed 0.00002.
gnomAD v4.1: 3 of 1,614,220 alleles (0.00019%); highest among the groups gnomAD compares: Non-Finnish European, 0.00025%; 1 homozygote.

Submissions (2):

Ambry Genetics
Classification: Uncertain significance for Cardiovascular phenotype. Last evaluated: 2025-10-21. Review status: criteria provided, single submitter. Criteria: Ambry Variant Classification Scheme 2023. Collection method: clinical testing. Allele origin: germline.

Labcorp Genetics (formerly Invitae), Labcorp
Classification: Uncertain significance for Atrial fibrillation, familial, 14. Last evaluated: 2022-04-12. Review status: criteria provided, single submitter. Criteria: Invitae Variant Classification Sherloc (09022015). Collection method: clinical testing. Allele origin: germline.
Comment: Algorithms developed to predict the effect of missense changes on protein structure and function output the following: SIFT: "Tolerated"; PolyPhen-2: "Benign"; Align-GVGD: "Class C0". The isoleucine amino acid residue is found in multiple mammalian species, which suggests that this missense change does not adversely affect protein function. This variant has not been reported in the literature in individuals affected with SCN2B-related conditions. This variant is present in population databases (no rsID available, gnomAD 0.01%). This sequence change replaces threonine, which is neutral and polar, with isoleucine, which is neutral and non-polar, at codon 37 of the SCN2B protein (p.Thr37Ile). In summary, the available evidence is currently insufficient to determine the role of this variant in disease. Therefore, it has been classified as a Variant of Uncertain Significance.